The following is an entry in ClinVar:

ClinVar aggregate classification (germline): Uncertain significance (1 of 4 stars; one submission).

Allele frequency attached by ClinVar (database versions not stated): TOPMed below 0.00001; ExAC 0.00001; gnomAD exomes 0.00001; ESP Exome Variant Server 0.00008.
gnomAD v4.1: 7 of 1,613,980 alleles (0.00043%); highest among the groups gnomAD compares: Admixed American, 0.0033%; no homozygotes.

Submission:

GeneDx
Classification: Uncertain significance. Last evaluated: 2024-11-26. Review status: criteria provided, single submitter. Criteria: GeneDx Variant Classification Process June 2021. Collection method: clinical testing. Allele origin: germline.
Comment: In silico analysis supports that this missense variant does not alter protein structure/function; Has not been previously published as pathogenic or benign to our knowledge

NM_014149.4(WDR91):c.698A>G (p.Asn233Ser)

Gene: WDR91 (WD repeat domain 91; minus strand). Cytogenetic location: 7q33.
Variant type: single nucleotide variant.
Coding change: c.698A>G on transcript NM_014149.4 (MANE Select); coding-DNA position 698, A replaced by G.
Protein change: p.Asn233Ser; replaces asparagine 233 with serine.
Molecular consequence: missense variant. On other transcripts: 5 prime UTR variant (1), non-coding transcript variant (2).
Genome position (GRCh38, 1-based): chr7:135,205,955, T>C on the plus strand (A>G on the coding strand, the complement: WDR91 is on the minus strand). VCF-style: chr7-135205955-T-C. GRCh37 (hg19) VCF-style: chr7-134890707-T-C.
Other names: c.698A>G, p.Asn233Ser (NM_001362736.2, NM_001362737.2); c.-64A>G (NM_001362738.2); short protein forms N233S.
Identifiers: ClinVar variation 2504880 (VCV002504880.2), dbSNP rs148419307, ClinGen allele CA4496595.